The following is an entry in ClinVar:

NM_001370466.1(NOD2):c.2296G>A (p.Val766Met)

Gene: NOD2 (nucleotide binding oligomerization domain containing 2; plus strand). Cytogenetic location: 16q12.1.
Variant type: single nucleotide variant.
Coding change: c.2296G>A on transcript NM_001370466.1 (MANE Select); coding-DNA position 2296, G replaced by A.
Protein change: p.Val766Met; replaces valine 766 with methionine.
Molecular consequence: missense variant. On other transcripts: non-coding transcript variant (1).
Genome position (GRCh38, 1-based): chr16:50,712,288, G>A. VCF-style: chr16-50712288-G-A. GRCh37 (hg19) VCF-style: chr16-50746199-G-A.
Other names: c.2296G>A, p.Val766Met (NM_001293557.2); c.2377G>A, p.Val793Met (NM_022162.3); c.2377G>A (LRG_177t1); short protein forms V793M, V766M.
Identifiers: ClinVar variation 97851 (VCV000097851.69), dbSNP rs104895444, ClinGen allele CA150265.

ClinVar aggregate classification (germline): Benign/Likely benign. Review status: criteria provided, multiple submitters, no conflicts (2 of 4 stars). 11 submissions from 10 submitters: Benign (1); Likely benign (8). 2 of the submissions do not count toward it. Last evaluated 2026-04-01.

Conditions:
NOD2-related disorder. Also called: NOD2-related condition.
Inflammatory bowel disease 1 (IBD1). Also called: Inflammatory bowel disease 1, Crohn disease; INFLAMMATORY BOWEL DISEASE (CROHN DISEASE) 1. Identifiers: MedGen CN260071, MONDO:0009960, OMIM 266600.
Autoinflammatory syndrome. Identifiers: Orphanet 93665, MedGen C3890737, MONDO:0019751.
Blau syndrome (BLAUS). Also called: GRANULOMATOSIS, FAMILIAL JUVENILE SYSTEMIC; GRANULOMATOSIS, FAMILIAL, BLAU TYPE; GRANULOMATOUS INFLAMMATORY ARTHRITIS, DERMATITIS, AND UVEITIS, FAMILIAL; JABS SYNDROME; ARTHROCUTANEOUVEAL GRANULOMATOSIS. Identifiers: Orphanet 90340, MedGen C5201146, MONDO:0008523, OMIM 186580.
Regional enteritis. Also called: Enteritis, Granulomatous. Identifiers: MedGen C0678202, MeSH D003424.

Allele frequency attached by ClinVar (database versions not stated): ESP Exome Variant Server 0.00123; gnomAD 0.00127 and 0.00121; 1000 Genomes Project 30x 0.00016; 1000 Genomes Project 0.00020; ExAC 0.00106; gnomAD exomes 0.00114; TOPMed 0.00119.
gnomAD v4.1: 2,467 of 1,613,984 alleles (0.15%); highest among the groups gnomAD compares: Non-Finnish European, 0.19%; 9 homozygotes.

Submissions (11):

CeGaT Center for Human Genetics Tuebingen
Classification: Likely benign. Last evaluated: 2026-04-01. Review status: criteria provided, single submitter. Criteria: CeGaT Center For Human Genetics Tuebingen Variant Classification Criteria Version 2. Collection method: clinical testing. Allele origin: germline. Affected: yes. Observed: 11 variant alleles.
Comment: NOD2: BS1

Labcorp Genetics (formerly Invitae), Labcorp
Classification: Likely benign for Regional enteritis; Blau syndrome. Last evaluated: 2026-02-02. Review status: criteria provided, single submitter. Criteria: Invitae Variant Classification Sherloc (09022015). Collection method: clinical testing. Allele origin: germline.

Women's Health and Genetics/Laboratory Corporation of America, LabCorp
Classification: Likely benign. Last evaluated: 2025-10-28. Review status: criteria provided, single submitter. Criteria: LabCorp Variant Classification Summary - May 2015. Collection method: clinical testing. Allele origin: germline.

Mayo Clinic Laboratories, Mayo Clinic
Classification: Likely benign. Last evaluated: 2025-02-03. Review status: criteria provided, single submitter. Criteria: ACMG Guidelines, 2015. Collection method: clinical testing. Allele origin: germline. Observed: 7 variant alleles.
Comment: BS1, BP4

Blueprint Genetics
Classification: Likely benign. Last evaluated: 2024-11-06. Review status: criteria provided, single submitter. Criteria: ACMG Guidelines, 2015. Collection method: clinical testing. Allele origin: germline.

ARUP Laboratories, Molecular Genetics and Genomics, ARUP Laboratories
Classification: Likely benign. Last evaluated: 2023-11-01. Review status: criteria provided, single submitter. Criteria: ARUP Molecular Germline Variant Investigation Process 2024. Collection method: clinical testing. Allele origin: germline.

Genome Diagnostics Laboratory, The Hospital for Sick Children
Classification: Likely benign for Autoinflammatory syndrome. Last evaluated: 2020-06-01. Review status: criteria provided, single submitter. Criteria: ACMG Guidelines, 2015. Collection method: clinical testing. Allele origin: germline. Affected: yes.

Illumina Laboratory Services, Illumina
Classification: Likely benign for Inflammatory bowel disease 1. Last evaluated: 2018-03-06. Review status: criteria provided, single submitter. Criteria: ICSL Variant Classification Criteria 13 December 2019. Collection method: clinical testing. Allele origin: germline.
Comment: This variant was observed in the ICSL laboratory as part of a predisposition screen in an ostensibly healthy population. It had not been previously curated by ICSL or reported in the Human Gene Mutation Database (HGMD: prior to June 1st, 2018), and was therefore a candidate for classification through an automated scoring system. Utilizing variant allele frequency, disease prevalence and penetrance estimates, and inheritance mode, an automated score was calculated to assess if this variant is too frequent to cause the disease. Based on the score and internal cut-off values, a variant classified as likely benign is not then subjected to further curation. The score for this variant resulted in a classification of likely benign for this disease.

Illumina Laboratory Services, Illumina
Classification: Benign for Blau syndrome. Last evaluated: 2018-03-06. Review status: criteria provided, single submitter. Criteria: ICSL Variant Classification Criteria 13 December 2019. Collection method: clinical testing. Allele origin: germline.
Comment: This variant was observed in the ICSL laboratory as part of a predisposition screen in an ostensibly healthy population. It had not been previously curated by ICSL or reported in the Human Gene Mutation Database (HGMD: prior to June 1st, 2018), and was therefore a candidate for classification through an automated scoring system. Utilizing variant allele frequency, disease prevalence and penetrance estimates, and inheritance mode, an automated score was calculated to assess if this variant is too frequent to cause the disease. Based on the score and internal cut-off values, a variant classified as benign is not then subjected to further curation. The score for this variant resulted in a classification of benign for this disease.

PreventionGenetics, part of Exact Sciences
Classification: Likely benign for NOD2-related condition. Last evaluated: 2023-11-28. Review status: no assertion criteria provided. Collection method: clinical testing. Allele origin: germline. Not counted in ClinVar's aggregate classification.
Comment: This variant is classified as likely benign based on ACMG/AMP sequence variant interpretation guidelines (Richards et al. 2015 PMID: 25741868, with internal and published modifications).

Unité médicale des maladies autoinflammatoires, CHRU Montpellier
No classification provided. Condition: Sarcoidosis, early-onset. Review status: no classification provided. Collection method: not provided. Allele origin: unknown. Not counted in ClinVar's aggregate classification.
Comment: also involved in OMIM 186580 and 266600